The following is an entry in ClinVar:

ClinVar aggregate classification (germline): Likely benign (1 of 4 stars; one submission).

Submission:

CeGaT Center for Human Genetics Tuebingen
Classification: Likely benign. Last evaluated: 2023-04-01. Review status: criteria provided, single submitter. Criteria: CeGaT Center For Human Genetics Tuebingen Variant Classification Criteria Version 2. Collection method: clinical testing. Allele origin: germline. Affected: yes. Observed: 1 variant allele.
Comment: CACNA1F: PM2:Supporting, BP4, BP7

NM_001256789.3(CACNA1F):c.2403G>A (p.Glu801=)

Gene: CACNA1F (calcium voltage-gated channel subunit alpha1 F; minus strand). Cytogenetic location: Xp11.23.
Variant type: single nucleotide variant.
Coding change: c.2403G>A on transcript NM_001256789.3 (MANE Select); coding-DNA position 2403, G replaced by A.
Protein change: p.Glu801=; no amino-acid change (glutamic acid 801 retained).
Molecular consequence: synonymous variant.
Genome position (GRCh38, 1-based): chrX:49,219,774, C>T on the plus strand (G>A on the coding strand, the complement: CACNA1F is on the minus strand). VCF-style: chrX-49219774-C-T. GRCh37 (hg19) VCF-style: chrX-49076233-C-T.
Other names: c.2241G>A, p.Glu747= (NM_001256790.3); c.2436G>A, p.Glu812= (NM_005183.4).
Identifiers: ClinVar variation 2660521 (VCV002660521.24), dbSNP rs2065758994, ClinGen allele CA516377830.